The following is an entry in ClinVar:

ClinVar aggregate classification (germline): Benign. Review status: criteria provided, single submitter (1 of 4 stars). 2 submissions from 2 submitters: Benign (1). 1 of the submissions does not count toward it. Last evaluated 2025-10-05.

Conditions:
Kabuki syndrome. Also called: NIIKAWA-KUROKI SYNDROME; Kabuki make-up syndrome. Identifiers: Orphanet 2322, MedGen C0796004, MONDO:0016512.
KMT2D-related disorder. Also called: KMT2D-Related Disorders.

Allele frequency attached by ClinVar (database versions not stated): ExAC 0.00003; gnomAD exomes 0.00006.

Submissions (2):

Labcorp Genetics (formerly Invitae), Labcorp
Classification: Benign for Kabuki syndrome. Last evaluated: 2025-10-05. Review status: criteria provided, single submitter. Criteria: Invitae Variant Classification Sherloc (09022015). Collection method: clinical testing. Allele origin: germline.

PreventionGenetics, part of Exact Sciences
Classification: Uncertain significance for KMT2D-related condition. Last evaluated: 2024-08-18. Review status: no assertion criteria provided. Collection method: clinical testing. Allele origin: germline. Not counted in ClinVar's aggregate classification.
Comment: The KMT2D c.2039C>T variant is predicted to result in the amino acid substitution p.Thr680Met. To our knowledge, this variant has not been reported in the literature. This variant is reported in 0.016% of alleles in individuals of Ashkenazi Jewish descent in gnomAD. At this time, the clinical significance of this variant is uncertain due to the absence of conclusive functional and genetic evidence.

NM_003482.4(KMT2D):c.2039C>T (p.Thr680Met)

Gene: KMT2D (lysine methyltransferase 2D; minus strand). Cytogenetic location: 12q13.12.
Variant type: single nucleotide variant.
Coding change: c.2039C>T on transcript NM_003482.4 (MANE Select); coding-DNA position 2039, C replaced by T.
Protein change: p.Thr680Met; replaces threonine 680 with methionine.
Molecular consequence: missense variant.
Genome position (GRCh38, 1-based): chr12:49,051,644, G>A on the plus strand (C>T on the coding strand, the complement: KMT2D is on the minus strand). VCF-style: chr12-49051644-G-A. GRCh37 (hg19) VCF-style: chr12-49445427-G-A.
Other names: short protein forms T680M.
Identifiers: ClinVar variation 2085290 (VCV002085290.5), dbSNP rs202185563, ClinGen allele CA6548359.